The following is an entry in ClinVar:

ClinVar aggregate classification (germline): Conflicting classifications of pathogenicity. Review status: criteria provided, conflicting classifications (1 of 4 stars). 4 submissions from 4 submitters: Uncertain significance (2); Likely benign (2). Last evaluated 2025-04-13.

Conditions:
Cardiovascular phenotype. Identifiers: MedGen CN230736.

Allele frequency attached by ClinVar (database versions not stated): ExAC 0.00026; 1000 Genomes Project 30x 0.00047; 1000 Genomes Project 0.00060.
gnomAD v4.1: 161 of 1,610,642 alleles (0.01%); highest among the groups gnomAD compares: East Asian, 0.35%; no homozygotes.

Submissions (4):

Labcorp Genetics (formerly Invitae), Labcorp
Classification: Likely benign. Last evaluated: 2025-04-13. Review status: criteria provided, single submitter. Criteria: Invitae Variant Classification Sherloc (09022015). Collection method: clinical testing. Allele origin: germline.

Mayo Clinic Laboratories, Mayo Clinic
Classification: Likely benign. Last evaluated: 2025-04-11. Review status: criteria provided, single submitter. Criteria: ACMG Guidelines, 2015. Collection method: clinical testing. Allele origin: germline. Observed: 1 variant allele.
Comment: BS1, BP4_moderate

Ambry Genetics
Classification: Uncertain significance for Cardiovascular phenotype. Last evaluated: 2024-03-27. Review status: criteria provided, single submitter. Criteria: Ambry Variant Classification Scheme 2023. Collection method: clinical testing. Allele origin: germline.
Comment: The p.M346V variant (also known as c.1036A>G), located in coding exon 7 of the LMF1 gene, results from an A to G substitution at nucleotide position 1036. The methionine at codon 346 is replaced by valine, an amino acid with highly similar properties. This alteration has been reported in individuals with high triglyceride levels; however, in one of these individuals alterations in other genes associated with high triglyceride levels were also identified (Lee CJ et al. Yonsei Med J, 2018 Jan;59:148-153; Plengpanich W et al. Mol Genet Metab Rep, 2020 Jun;23:100576). This amino acid position is poorly conserved in available vertebrate species. In addition, this alteration is predicted to be tolerated by in silico analysis. Since supporting evidence is limited at this time, the clinical significance of this alteration remains unclear.

GeneDx
Classification: Uncertain significance. Last evaluated: 2022-05-24. Review status: criteria provided, single submitter. Criteria: GeneDx Variant Classification Process June 2021. Collection method: clinical testing. Allele origin: germline. Affected: yes.
Comment: In silico analysis supports that this missense variant does not alter protein structure/function; Has not been previously published as pathogenic or benign to our knowledge

Literature cited by the submitters: PubMed 29214790 (cited by Mayo Clinic Laboratories, Mayo Clinic and Ambry Genetics); PubMed 32190547 (cited by Mayo Clinic Laboratories, Mayo Clinic and Ambry Genetics); PubMed 36325899 (cited by Mayo Clinic Laboratories, Mayo Clinic); PubMed 39483624 (cited by Mayo Clinic Laboratories, Mayo Clinic).

NM_022773.4(LMF1):c.1036A>G (p.Met346Val)

Gene: LMF1 (lipase maturation factor 1; minus strand). Cytogenetic location: 16p13.3.
Variant type: single nucleotide variant.
Coding change: c.1036A>G on transcript NM_022773.4 (MANE Select); coding-DNA position 1036, A replaced by G.
Protein change: p.Met346Val; replaces methionine 346 with valine.
Molecular consequence: missense variant. On other transcripts: non-coding transcript variant (1).
Genome position (GRCh38, 1-based): chr16:871,203, T>C on the plus strand (A>G on the coding strand, the complement: LMF1 is on the minus strand). VCF-style: chr16-871203-T-C. GRCh37 (hg19) VCF-style: chr16-921203-T-C.
Other names: p.Met346Val; c.1036A>G (NM_022773.3); c.385A>G, p.Met129Val (NM_001352017.2, NM_001352021.2); c.637A>G, p.Met213Val (NM_001352018.2); c.709A>G, p.Met237Val (NM_001352019.2); c.1036A>G, p.Met346Val (NM_001352020.1); short protein forms M129V, M213V, M237V, M346V.
Identifiers: ClinVar variation 1534382 (VCV001534382.13), dbSNP rs201767825, ClinGen allele CA7797236.